The following is an entry in ClinVar:

ClinVar aggregate classification (germline): Uncertain significance (1 of 4 stars; one submission).

Conditions:
Left ventricular noncompaction 1 (LVNC1). Also called: LEFT VENTRICULAR NONCOMPACTION 1 WITH OR WITHOUT CONGENITAL HEART DEFECTS. Identifiers: Orphanet 54260, MedGen C1858725, MONDO:0011403, OMIM 604169.

Submission:

Labcorp Genetics (formerly Invitae), Labcorp
Classification: Uncertain significance for Left ventricular noncompaction 1. Last evaluated: 2025-02-02. Review status: criteria provided, single submitter. Criteria: Invitae Variant Classification Sherloc (09022015). Collection method: clinical testing. Allele origin: germline.
Comment: This variant, c.919_933del, results in the deletion of 5 amino acid(s) of the DTNA protein (p.Leu307_Ser311del), but otherwise preserves the integrity of the reading frame. This variant is present in population databases (rs747237838, gnomAD 0.02%). This variant has not been reported in the literature in individuals affected with DTNA-related conditions. Experimental studies and prediction algorithms are not available or were not evaluated, and the functional significance of this variant is currently unknown. In summary, the available evidence is currently insufficient to determine the role of this variant in disease. Therefore, it has been classified as a Variant of Uncertain Significance.

NM_001386795.1(DTNA):c.919_933del (p.Leu307_Ser311del)

Gene: DTNA (dystrobrevin alpha; plus strand). Cytogenetic location: 18q12.1.
Variant type: Deletion.
Coding change: c.919_933del on transcript NM_001386795.1 (MANE Select); coding-DNA positions 919 to 933, 15 bases deleted (CTGAGCTGTGCTTCC).
Protein change: p.Leu307_Ser311del.
Molecular consequence: 5 prime UTR variant (on NM_001198942.1). On other transcripts: intron variant (1).
Genome position (GRCh38, 1-based): chr18:34,820,833-34,820,847, CTGAGCTGTGCTTCC deleted; deleting any 15 consecutive bases within chr18:34,820,830-34,820,847 gives the same sequence; the c. name uses the placement nearest the transcript's 3' end. VCF-style (leftmost placement, unchanged base first): chr18-34820829-GTCCCTGAGCTGTGCT-G. GRCh37 (hg19) VCF-style: chr18-32400793-GTCCCTGAGCTGTGCT-G.
Other names: c.919_933del, p.Leu307_Ser311del (NM_001128175.2, NM_001198938.2, NM_001198939.2 and 34 more transcripts); c.-36_-22del (NM_001198942.1, NM_001198944.1, NM_032980.4 and 1 more transcripts); c.169_183del, p.Leu57_Ser61del (NM_001198943.1); c.603+8720_603+8734del (NM_001198945.2).
Identifiers: ClinVar variation 3702924 (VCV003702924.2).
Genomic context (GRCh38, chr18:34,820,829, plus strand): 5'-CTGCCTTCCTTCTTCTTTCCAGAAATCACCTGCTAAGAAGCTGACTAATGCATTAAGCAA[GTCCCTGAGCTGTGCT>G]TCCAGCCGTGAACCTTTGCACCCCATGTTCCCAGATCAGCCTGAGAAGCCACTCAACTTG-3'